The following is an entry in ClinVar:

NM_019842.4(KCNQ5):c.51G>C (p.Trp17Cys)

Genes: KCNQ5 (potassium voltage-gated channel subfamily Q member 5; plus strand), KCNQ5-DT (KCNQ5 divergent transcript; minus strand), LOC129996711 (ATAC-STARR-seq lymphoblastoid silent region 17329; plus strand). Cytogenetic location: 6q13.
Variant type: single nucleotide variant.
Coding change: c.51G>C on transcript NM_019842.4 (MANE Select); coding-DNA position 51, G replaced by C.
Protein change: p.Trp17Cys; replaces tryptophan 17 with cysteine.
Molecular consequence: missense variant.
Genome position (GRCh38, 1-based): chr6:72,622,240, G>C. VCF-style: chr6-72622240-G-C. GRCh37 (hg19) VCF-style: chr6-73331968-G-C.
Other names: c.51G>C, p.Trp17Cys (NM_001160130.2, NM_001160132.2, NM_001160133.2 and 1 more transcripts); c.51G>C (NM_001160133.1); short protein forms W17C.
Identifiers: ClinVar variation 1616998 (VCV001616998.10), dbSNP rs1265096046, ClinGen allele CA364824051.

ClinVar aggregate classification (germline): Conflicting classifications of pathogenicity. Review status: criteria provided, conflicting classifications (1 of 4 stars). 3 submissions from 3 submitters: Uncertain significance (1); Likely benign (1). 1 of the submissions does not count toward it. Last evaluated 2024-11-11.

Conditions:
KCNQ5-related disorder. Also called: KCNQ5-related condition.

Allele frequency attached by ClinVar (database versions not stated): TOPMed 0.00001; gnomAD 0.00003; gnomAD exomes 0.00060.
gnomAD v4.1: 23 of 1,251,202 alleles (0.0018%); highest among the groups gnomAD compares: Non-Finnish European, 0.0022%; no homozygotes.

Submissions (3):

Labcorp Genetics (formerly Invitae), Labcorp
Classification: Likely benign. Last evaluated: 2024-11-11. Review status: criteria provided, single submitter. Criteria: Invitae Variant Classification Sherloc (09022015). Collection method: clinical testing. Allele origin: germline.

Blueprint Genetics
Classification: Uncertain significance. Last evaluated: 2024-09-09. Review status: criteria provided, single submitter. Criteria: ACMG Guidelines, 2015. Collection method: clinical testing. Allele origin: germline.

PreventionGenetics, part of Exact Sciences
Classification: Uncertain significance for KCNQ5-related condition. Last evaluated: 2024-03-12. Review status: no assertion criteria provided. Collection method: clinical testing. Allele origin: germline. Not counted in ClinVar's aggregate classification.
Comment: The KCNQ5 c.51G>C variant is predicted to result in the amino acid substitution p.Trp17Cys. To our knowledge, this variant has not been reported in the literature. This variant is reported in 0.012% of alleles in individuals of European (Non-Finnish) descent in gnomAD. At this time, the clinical significance of this variant is uncertain due to the absence of conclusive functional and genetic evidence.